The following is an entry in ClinVar:

ClinVar aggregate classification (germline): Pathogenic (1 of 4 stars; one submission).

Conditions:
Congenital disorder of glycosylation, type Iaa. Also called: Congenital disorder of glycosylation, type 1aa. Identifiers: MedGen C4310727, MONDO:0014904, OMIM 617082.

Submission:

Labcorp Genetics (formerly Invitae), Labcorp
Classification: Pathogenic for Congenital disorder of glycosylation, type Iaa. Last evaluated: 2023-05-04. Review status: criteria provided, single submitter. Criteria: Invitae Variant Classification Sherloc (09022015). Collection method: clinical testing. Allele origin: germline.
Comment: For these reasons, this variant has been classified as Pathogenic. This variant disrupts a region of the NUS1 protein in which other variant(s) (p.Arg290Cys) have been determined to be pathogenic (Invitae). This suggests that this is a clinically significant region of the protein, and that variants that disrupt it are likely to be disease-causing. A similar copy number variant has been observed in individual(s) with clinical features of autosomal dominant NUS1-related conditions (Invitae). This variant is a gross deletion of the genomic region encompassing exon(s) 5 of the NUS1 gene, which includes the termination codon. This deletion extends beyond the assayed region for this gene and therefore may encompass additional genes. While this deletion is not anticipated to lead to nonsense mediated decay, it is expected to alter mRNA translation or result in a truncated protein product.

NC_000006.11:g.(?_118028088)_(118028178_?)del

Gene: NUS1 (NUS1 dehydrodolichyl diphosphate synthase subunit; plus strand). Cytogenetic location: 6q22.1.
Variant type: Deletion.
Identifiers: ClinVar variation 1011945 (VCV001011945.8).